The following is an entry in ClinVar:

ClinVar aggregate classification (germline): Uncertain significance. Review status: criteria provided, multiple submitters, no conflicts (2 of 4 stars). 2 submissions from 2 submitters: Uncertain significance (2). Last evaluated 2022-12-08.

Conditions:
Frontotemporal dementia and/or amyotrophic lateral sclerosis 4. Also called: FTDALS4. Identifiers: Orphanet 275872, MedGen C4225325, MONDO:0014641, OMIM 616439.

Allele frequency attached by ClinVar (database versions not stated): gnomAD exomes below 0.00001; ExAC 0.00001.
gnomAD v4.1: 6 of 1,609,734 alleles (0.00037%); highest among the groups gnomAD compares: Non-Finnish European, 0.00051%; no homozygotes.

Submissions (2):

Labcorp Genetics (formerly Invitae), Labcorp
Classification: Uncertain significance for Frontotemporal dementia and/or amyotrophic lateral sclerosis 4. Last evaluated: 2022-12-08. Review status: criteria provided, single submitter. Criteria: Invitae Variant Classification Sherloc (09022015). Collection method: clinical testing. Allele origin: germline.
Comment: In summary, the available evidence is currently insufficient to determine the role of this variant in disease. Therefore, it has been classified as a Variant of Uncertain Significance. Advanced modeling of protein sequence and biophysical properties (such as structural, functional, and spatial information, amino acid conservation, physicochemical variation, residue mobility, and thermodynamic stability) performed at Invitae indicates that this missense variant is not expected to disrupt TBK1 protein function. ClinVar contains an entry for this variant (Variation ID: 1318768). This variant has not been reported in the literature in individuals affected with TBK1-related conditions. This variant is present in population databases (rs767134050, gnomAD 0.0009%). This sequence change replaces leucine, which is neutral and non-polar, with isoleucine, which is neutral and non-polar, at codon 98 of the TBK1 protein (p.Leu98Ile).

GeneDx
Classification: Uncertain significance. Last evaluated: 2019-10-18. Review status: criteria provided, single submitter. Criteria: GeneDx Variant Classification Process June 2021. Collection method: clinical testing. Allele origin: germline. Affected: yes.
Comment: Not observed at a significant frequency in large population cohorts (Lek et al., 2016); In silico analysis, which includes protein predictors and evolutionary conservation, supports that this variant does not alter protein structure/function; Has not been previously published as pathogenic or benign to our knowledge

NM_013254.4(TBK1):c.292T>A (p.Leu98Ile)

Gene: TBK1 (TANK binding kinase 1; plus strand). Cytogenetic location: 12q14.2.
Variant type: single nucleotide variant.
Coding change: c.292T>A on transcript NM_013254.4 (MANE Select); coding-DNA position 292, T replaced by A.
Protein change: p.Leu98Ile; replaces leucine 98 with isoleucine.
Molecular consequence: missense variant.
Genome position (GRCh38, 1-based): chr12:64,464,397, T>A. VCF-style: chr12-64464397-T-A. GRCh37 (hg19) VCF-style: chr12-64858177-T-A.
Other names: short protein forms L98I.
Identifiers: ClinVar variation 1318768 (VCV001318768.5), dbSNP rs767134050, ClinGen allele CA6668763.
Genomic context (GRCh38, chr12:64,464,397, plus strand): 5'-ACAACAAGACATAAAGTACTTATTATGGAATTTTGTCCATGTGGGAGTTTATACACTGTT[T>A]TAGAAGAACCTTCTAATGCCTATGGACTACCAGAATCTGAATTCTTAATTGTTTTGCGAG-3'
Protein context (NP_037386.1, residues 88-108): FCPCGSLYTV[Leu98Ile]EEPSNAYGLP